The following is an entry in ClinVar:

ClinVar aggregate classification (germline): Uncertain significance. Review status: criteria provided, multiple submitters, no conflicts (2 of 4 stars). 2 submissions from 2 submitters: Uncertain significance (2). Last evaluated 2025-06-10.

gnomAD v4.1: 30 of 1,607,584 alleles (0.0019%); highest among the groups gnomAD compares: Middle Eastern, 0.017%; no homozygotes.

Submissions (2):

Ambry Genetics
Classification: Uncertain significance. Last evaluated: 2025-06-10. Review status: criteria provided, single submitter. Criteria: Ambry Variant Classification Scheme 2023. Collection method: clinical testing. Allele origin: germline.

Labcorp Genetics (formerly Invitae), Labcorp
Classification: Uncertain significance. Last evaluated: 2025-03-07. Review status: criteria provided, single submitter. Criteria: Invitae Variant Classification Sherloc (09022015). Collection method: clinical testing. Allele origin: germline.
Comment: This sequence change replaces arginine, which is basic and polar, with histidine, which is basic and polar, at codon 367 of the EXOC3L2 protein (p.Arg367His). The frequency data for this variant in the population databases is considered unreliable, as metrics indicate poor data quality at this position in the gnomAD database. This variant has not been reported in the literature in individuals affected with EXOC3L2-related conditions. An algorithm developed to predict the effect of missense changes on protein structure and function (PolyPhen-2) suggests that this variant is likely to be tolerated. In summary, the available evidence is currently insufficient to determine the role of this variant in disease. Therefore, it has been classified as a Variant of Uncertain Significance.

NM_001382422.1(EXOC3L2):c.2279G>A (p.Arg760His)

Genes: BLOC1S3 (biogenesis of lysosomal organelles complex 1 subunit 3; plus strand), EXOC3L2 (exocyst complex component 3 like 2; minus strand). Cytogenetic location: 19q13.32.
Variant type: single nucleotide variant.
Coding change: c.2279G>A on transcript NM_001382422.1 (MANE Select); coding-DNA position 2279, G replaced by A.
Protein change: p.Arg760His; replaces arginine 760 with histidine.
Molecular consequence: missense variant.
Genome position (GRCh38, 1-based): chr19:45,213,199, C>T on the plus strand (G>A on the coding strand, the complement: EXOC3L2 is on the minus strand). VCF-style: chr19-45213199-C-T. GRCh37 (hg19) VCF-style: chr19-45716457-C-T.
Other names: NM_138568.3:c.1100G>A; short protein forms R760H.
Identifiers: ClinVar variation 4020382 (VCV004020382.2).